The following is an entry in ClinVar:

NM_003094.4(SNRPE):c.-3A>G

Genes: SNRPE (small nuclear ribonucleoprotein polypeptide E; plus strand), LOC112577531 (Sharpr-MPRA regulatory region 5904; plus strand). Cytogenetic location: 1q32.1.
Variant type: single nucleotide variant.
Coding change: c.-3A>G on transcript NM_003094.4 (MANE Select); 3 bases upstream of the start codon, A replaced by G.
Molecular consequence: 5 prime UTR variant. On other transcripts: non-coding transcript variant (1).
Genome position (GRCh38, 1-based): chr1:203,861,657, A>G. VCF-style: chr1-203861657-A-G. GRCh37 (hg19) VCF-style: chr1-203830785-A-G.
Other names: c.-71A>G (NM_001304464.2).
Identifiers: ClinVar variation 3057620 (VCV003057620.2), dbSNP rs1166262004, ClinGen allele CA528182607.

ClinVar aggregate classification (germline): Likely benign (0 of 4 stars; one submission).

Conditions:
SNRPE-related disorder. Also called: SNRPE-related condition.

Allele frequency attached by ClinVar (database versions not stated): gnomAD exomes below 0.00001.
gnomAD v4.1: 2 of 1,612,302 alleles (0.00012%); highest among the groups gnomAD compares: Admixed American, 0.0017%; no homozygotes.

Submission:

PreventionGenetics, part of Exact Sciences
Classification: Likely benign for SNRPE-related condition. Last evaluated: 2019-03-21. Review status: no assertion criteria provided. Collection method: clinical testing. Allele origin: germline.
Comment: This variant is classified as likely benign based on ACMG/AMP sequence variant interpretation guidelines (Richards et al. 2015 PMID: 25741868, with internal and published modifications).